The following is an entry in ClinVar:

NM_000760.4(CSF3R):c.28_51del (p.Thr10_Leu17del)

Gene: CSF3R (colony stimulating factor 3 receptor; minus strand). Cytogenetic location: 1p34.3.
Variant type: Deletion.
Coding change: c.28_51del on transcript NM_000760.4 (MANE Select); coding-DNA positions 28 to 51, 24 bases deleted (ACTTGGGCTGCCCTGATCATCCTG).
Protein change: p.Thr10_Leu17del.
Molecular consequence: inframe deletion.
Genome position (GRCh38, 1-based): chr1:36,479,446-36,479,469, CAGGATGATCAGGGCAGCCCAAGT deleted on the plus strand (ACTTGGGCTGCCCTGATCATCCTG on the coding strand, the reverse complement: CSF3R is on the minus strand); deleting any 24 consecutive bases within chr1:36,479,446-36,479,473 gives the same sequence; the c. name uses the placement nearest the transcript's 3' end. VCF-style (leftmost placement, unchanged base first): chr1-36479445-GCAGGATGATCAGGGCAGCCCAAGT-G. GRCh37 (hg19) VCF-style: chr1-36945046-GCAGGATGATCAGGGCAGCCCAAGT-G.
Other names: c.28_51del, p.Thr10_Leu17del (NM_156039.3, NM_172313.3).
Identifiers: ClinVar variation 1472359 (VCV001472359.8), dbSNP rs1463924000, ClinGen allele CA521997657.

ClinVar aggregate classification (germline): Uncertain significance (1 of 4 stars; one submission).

Conditions:
Autosomal recessive severe congenital neutropenia due to CSF3R deficiency. Also called: Neutropenia, severe congenital, 7, autosomal recessive. Identifiers: Orphanet 420702, MedGen C4310764, MONDO:0014865, OMIM 617014.

Submission:

Labcorp Genetics (formerly Invitae), Labcorp
Classification: Uncertain significance for Autosomal recessive severe congenital neutropenia due to CSF3R deficiency. Last evaluated: 2022-11-01. Review status: criteria provided, single submitter. Criteria: Invitae Variant Classification Sherloc (09022015). Collection method: clinical testing. Allele origin: germline.
Comment: In summary, the available evidence is currently insufficient to determine the role of this variant in disease. Therefore, it has been classified as a Variant of Uncertain Significance. Experimental studies and prediction algorithms are not available or were not evaluated, and the functional significance of this variant is currently unknown. ClinVar contains an entry for this variant (Variation ID: 1472359). This variant has not been reported in the literature in individuals affected with CSF3R-related conditions. This variant is present in population databases (no rsID available, gnomAD 0.007%). This variant, c.28_51del, results in the deletion of 8 amino acid(s) of the CSF3R protein (p.Thr10_Leu17del), but otherwise preserves the integrity of the reading frame.